The following is an entry in ClinVar:

NM_001793.6(CDH3):c.296A>G (p.Lys99Arg)

Gene: CDH3 (cadherin 3; plus strand). Cytogenetic location: 16q22.1.
Variant type: single nucleotide variant.
Coding change: c.296A>G on transcript NM_001793.6 (MANE Select); coding-DNA position 296, A replaced by G.
Protein change: p.Lys99Arg; replaces lysine 99 with arginine.
Molecular consequence: missense variant.
Genome position (GRCh38, 1-based): chr16:68,678,183, A>G. VCF-style: chr16-68678183-A-G. GRCh37 (hg19) VCF-style: chr16-68712086-A-G.
Other names: NC_000016.9:g.68712086A>G; c.296A>G, p.Lys99Arg (NM_001317195.3); c.131A>G, p.Lys44Arg (NM_001317196.2); short protein forms K44R, K99R.
Identifiers: ClinVar variation 2646663 (VCV002646663.25), dbSNP rs1417499962, ClinGen allele CA396448631.

ClinVar aggregate classification (germline): Likely benign (1 of 4 stars; one submission).

Allele frequency attached by ClinVar (database versions not stated): gnomAD exomes below 0.00001.
gnomAD v4.1: 1 of 1,613,884 alleles (0.000062%); highest among the groups gnomAD compares: Non-Finnish European, 0.000085%; no homozygotes.

Submissions (2):

CeGaT Center for Human Genetics Tuebingen
Classification: Likely benign. Last evaluated: 2023-09-01. Review status: criteria provided, single submitter. Criteria: CeGaT Center For Human Genetics Tuebingen Variant Classification Criteria Version 2. Collection method: clinical testing. Allele origin: germline. Affected: yes. Observed: 1 variant allele.
Comment: CDH3: BP4

Dr. Peter K. Rogan Lab, Western University
No classification provided (evidence only). Condition: Ovarian serous cystadenocarcinoma. Review status: no classification provided. Collection method: in vitro. Allele origin: not applicable. Functional consequence: retained intron. Not counted in ClinVar's aggregate classification.